The following is an entry in ClinVar:

NM_014218.3(KIR2DL1):c.715+1428G>A

Gene: KIR2DL1 (killer cell immunoglobulin like receptor, two Ig domains and long cytoplasmic tail 1). Cytogenetic location: 19q13.42.
Variant type: single nucleotide variant.
Coding change: c.715+1428G>A on transcript NM_014218.3 (MANE Select); 1428 bases into the intron after coding-DNA position 715, G replaced by A.
Molecular consequence: intron variant.
Genome position (GRCh38, 1-based): chr19:54,780,090, G>A. VCF-style: chr19-54780090-G-A. GRCh37 (hg19) VCF-style: chr19-55291542-G-A.
Identifiers: ClinVar variation 2650466 (VCV002650466.24), dbSNP rs1313062961, ClinGen allele CA883662978.

ClinVar aggregate classification (germline): Likely benign (1 of 4 stars; one submission).

Submission:

CeGaT Center for Human Genetics Tuebingen
Classification: Likely benign. Last evaluated: 2024-12-01. Review status: criteria provided, single submitter. Criteria: CeGaT Center For Human Genetics Tuebingen Variant Classification Criteria Version 2. Collection method: clinical testing. Allele origin: germline. Affected: yes. Observed: 2 variant alleles.
Comment: KIR2DL1: BP4, BP7